The following is an entry in ClinVar:

ClinVar aggregate classification (germline): Pathogenic (1 of 4 stars; one submission).

Conditions:
Duchenne muscular dystrophy (DMD). Also called: MUSCULAR DYSTROPHY, PSEUDOHYPERTROPHIC PROGRESSIVE, DUCHENNE TYPE; Duchenne Muscular Dystrophy (DMD). Identifiers: Orphanet 98896, MedGen C0013264, MONDO:0010679, OMIM 310200.

Submission:

Labcorp Genetics (formerly Invitae), Labcorp
Classification: Pathogenic for Duchenne muscular dystrophy. Last evaluated: 2018-08-04. Review status: criteria provided, single submitter. Criteria: Invitae Variant Classification Sherloc (09022015). Collection method: clinical testing. Allele origin: germline.
Comment: For these reasons, this variant has been classified as Pathogenic. Loss-of-function variants in DMD are known to be pathogenic (PMID: 16770791, 25007885). This variant has been observed in individuals affected with dystrophinopathy (PMID: 23453023, 27206868). This variant results in a copy number gain of the genomic region encompassing exons 2-44 of the DMD gene. While the exact position of this variant cannot be determined from this data, sub-genic copy number gains are generally in tandem (PMID: 25640679) and may result in an absent or disrupted protein product.

Literature cited by the submitters: PubMed 16770791; PubMed 25007885; PubMed 23453023; PubMed 27206868; PubMed 25640679.

NC_000023.10:g.(?_32235013)_(33038337_?)dup

Genes: DMD (dystrophin; minus strand), MIR3915 (microRNA 3915; minus strand), MIR548F5 (microRNA 548f-5; minus strand). Cytogenetic location: Xp21.1.
Variant type: Duplication.
Identifiers: ClinVar variation 657901 (VCV000657901.8).